The following is an entry in ClinVar:

NM_001267550.2(TTN):c.40915G>T (p.Gly13639Cys)

Gene: TTN (titin; minus strand). Cytogenetic location: 2q31.2.
Variant type: single nucleotide variant.
Coding change: c.40915G>T on transcript NM_001267550.2 (MANE Select); coding-DNA position 40915, G replaced by T.
Protein change: p.Gly13639Cys; replaces glycine 13639 with cysteine.
Molecular consequence: missense variant.
Genome position (GRCh38, 1-based): chr2:178,637,381, C>A on the plus strand (G>T on the coding strand, the complement: TTN is on the minus strand). VCF-style: chr2-178637381-C-A. GRCh37 (hg19) VCF-style: chr2-179502108-C-A.
Other names: c.35992G>T, p.Gly11998Cys (NM_001256850.1); c.13720G>T, p.Gly4574Cys (NM_003319.4); c.33211G>T, p.Gly11071Cys (NM_133378.4); c.14095G>T, p.Gly4699Cys (NM_133432.3); c.14296G>T, p.Gly4766Cys (NM_133437.4); short protein forms G11071C, G4766C, G4699C, G11998C, G13639C, G4574C.
Identifiers: ClinVar variation 1771066 (VCV001771066.3), dbSNP rs1343417772, ClinGen allele CA349662115.

ClinVar aggregate classification (germline): Conflicting classifications of pathogenicity. Review status: criteria provided, conflicting classifications (1 of 4 stars). 2 submissions from 2 submitters: Uncertain significance (1); Likely benign (1). Last evaluated 2019-09-03.

Conditions:
Cardiovascular phenotype. Identifiers: MedGen CN230736.

Allele frequency attached by ClinVar (database versions not stated): gnomAD exomes below 0.00001; TOPMed 0.00001; gnomAD 0.00002.
gnomAD v4.1: 5 of 1,476,860 alleles (0.00034%); highest among the groups gnomAD compares: African/African-American, 0.0073%; no homozygotes.

Submissions (2):

Ambry Genetics
Classification: Uncertain significance for Cardiovascular phenotype. Last evaluated: 2019-09-03. Review status: criteria provided, single submitter. Criteria: Ambry Variant Classification Scheme 2023. Collection method: clinical testing. Allele origin: germline.
Comment: The p.G4574C variant (also known as c.13720G>T), located in coding exon 51 of the TTN gene, results from a G to T substitution at nucleotide position 13720. The glycine at codon 4574 is replaced by cysteine, an amino acid with highly dissimilar properties. This amino acid position is well conserved in available vertebrate species. In addition, this alteration is predicted to be tolerated by in silico analysis. Since supporting evidence is limited at this time, the clinical significance of this alteration remains unclear.

GeneDx
Classification: Likely benign. Last evaluated: 2018-08-31. Review status: criteria provided, single submitter. Criteria: GeneDx Variant Classification Process June 2021. Collection method: clinical testing. Allele origin: germline. Affected: yes.
Comment: See Variant Classification Assertion Criteria.